The following is an entry in ClinVar:

ClinVar aggregate classification (germline): Uncertain significance (1 of 4 stars; one submission).

Submission:

Labcorp Genetics (formerly Invitae), Labcorp
Classification: Uncertain significance. Last evaluated: 2022-08-16. Review status: criteria provided, single submitter. Criteria: Invitae Variant Classification Sherloc (09022015). Collection method: clinical testing. Allele origin: germline.
Comment: This variant is not present in population databases (gnomAD no frequency). In summary, the available evidence is currently insufficient to determine the role of this variant in disease. Therefore, it has been classified as a Variant of Uncertain Significance. Algorithms developed to predict the effect of missense changes on protein structure and function are either unavailable or do not agree on the potential impact of this missense change (SIFT: "Tolerated"; PolyPhen-2: "Possibly Damaging"; Align-GVGD: "Class C0"). This variant has not been reported in the literature in individuals affected with PPP2R1A-related conditions. This sequence change replaces serine, which is neutral and polar, with proline, which is neutral and non-polar, at codon 214 of the PPP2R1A protein (p.Ser214Pro).

NM_014225.6(PPP2R1A):c.640T>C (p.Ser214Pro)

Gene: PPP2R1A (protein phosphatase 2 scaffold subunit Aalpha; plus strand). Cytogenetic location: 19q13.41.
Variant type: single nucleotide variant.
Coding change: c.640T>C on transcript NM_014225.6 (MANE Select); coding-DNA position 640, T replaced by C.
Protein change: p.Ser214Pro; replaces serine 214 with proline.
Molecular consequence: missense variant. On other transcripts: non-coding transcript variant (1).
Genome position (GRCh38, 1-based): chr19:52,212,822, T>C. VCF-style: chr19-52212822-T-C. GRCh37 (hg19) VCF-style: chr19-52716075-T-C.
Other names: c.103T>C, p.Ser35Pro (NM_001363656.2); short protein forms S214P, S35P.
Identifiers: ClinVar variation 1992600 (VCV001992600.4), dbSNP rs2122336003, ClinGen allele CA407184101.